The following is an entry in ClinVar:

ClinVar aggregate classification (germline): Conflicting classifications of pathogenicity. Review status: criteria provided, conflicting classifications (1 of 4 stars). 2 submissions from 2 submitters: Likely pathogenic (1); Uncertain significance (1). Last evaluated 2025-11-12.

Allele frequency attached by ClinVar (database versions not stated): gnomAD 0.00001; TOPMed 0.00001; ExAC 0.00002; gnomAD exomes 0.00002 and 0.00003.

Submissions (2):

Labcorp Genetics (formerly Invitae), Labcorp
Classification: Uncertain significance. Last evaluated: 2025-11-12. Review status: criteria provided, single submitter. Criteria: Invitae Variant Classification Sherloc (09022015). Collection method: clinical testing. Allele origin: germline.
Comment: This sequence change replaces histidine, which is basic and polar, with tyrosine, which is neutral and polar, at codon 438 of the GCKR protein (p.His438Tyr). This variant is present in population databases (rs745955443, gnomAD 0.004%). This missense change has been observed in individual(s) with dyslipidemia (PMID: 20657596, 36325899). ClinVar contains an entry for this variant (Variation ID: 1436009). Invitae Evidence Modeling of protein sequence and biophysical properties (such as structural, functional, and spatial information, amino acid conservation, physicochemical variation, residue mobility, and thermodynamic stability) has been performed for this missense variant. However, the output from this modeling did not meet the statistical confidence thresholds required to predict the impact of this variant on GCKR protein function. Experimental studies have shown that this missense change affects GCKR function (PMID: 24879641). In summary, the available evidence is currently insufficient to determine the role of this variant in disease. Therefore, it has been classified as a Variant of Uncertain Significance.

AiLife Diagnostics
Classification: Likely pathogenic. Last evaluated: 2021-08-11. Review status: criteria provided, single submitter. Criteria: ACMG Guidelines, 2015. Collection method: clinical testing. Allele origin: germline. Affected: yes. Observed: 1 variant allele.

Literature cited by the submitters: PubMed 20657596 (cited by Labcorp Genetics (formerly Invitae), Labcorp and AiLife Diagnostics); PubMed 36325899 (cited by Labcorp Genetics (formerly Invitae), Labcorp); PubMed 24879641 (cited by Labcorp Genetics (formerly Invitae), Labcorp and AiLife Diagnostics).

NM_001486.4(GCKR):c.1312C>T (p.His438Tyr)

Gene: GCKR (glucokinase regulator; plus strand). Cytogenetic location: 2p23.3.
Variant type: single nucleotide variant.
Coding change: c.1312C>T on transcript NM_001486.4 (MANE Select); coding-DNA position 1312, C replaced by T.
Protein change: p.His438Tyr; replaces histidine 438 with tyrosine.
Molecular consequence: missense variant.
Genome position (GRCh38, 1-based): chr2:27,508,048, C>T. VCF-style: chr2-27508048-C-T. GRCh37 (hg19) VCF-style: chr2-27730915-C-T.
Other names: short protein forms H438Y.
Identifiers: ClinVar variation 1436009 (VCV001436009.9), dbSNP rs745955443, ClinGen allele CA1581932.